The following is an entry in ClinVar:

NM_173651.4(FSIP2):c.16488T>C (p.Asn5496=)

Gene: FSIP2 (fibrous sheath interacting protein 2; plus strand). Cytogenetic location: 2q32.1.
Variant type: single nucleotide variant.
Coding change: c.16488T>C on transcript NM_173651.4 (MANE Select); coding-DNA position 16488, T replaced by C.
Protein change: p.Asn5496=; no amino-acid change (asparagine 5496 retained).
Molecular consequence: synonymous variant.
Genome position (GRCh38, 1-based): chr2:185,805,794, T>C. VCF-style: chr2-185805794-T-C. GRCh37 (hg19) VCF-style: chr2-186670521-T-C.
Identifiers: ClinVar variation 3389010 (VCV003389010.14).

ClinVar aggregate classification (germline): Likely benign (1 of 4 stars; one submission).

Submission:

CeGaT Center for Human Genetics Tuebingen
Classification: Likely benign. Last evaluated: 2024-09-01. Review status: criteria provided, single submitter. Criteria: CeGaT Center For Human Genetics Tuebingen Variant Classification Criteria Version 2. Collection method: clinical testing. Allele origin: germline. Affected: yes. Observed: 1 variant allele.
Comment: FSIP2: PM2:Supporting, BP4, BP7